The following is an entry in ClinVar:

ClinVar aggregate classification (germline): Uncertain significance (1 of 4 stars; one submission).

Conditions:
Developmental and epileptic encephalopathy, 1 (DEE1). Also called: INFANTILE SPASM SYNDROME, X-LINKED 1; X-linked infantile spasms; West's syndrome; Tonic spasms with clustering, arrest of psychomotor development and hypsarrhythmia on EEG; X-Linked Infantile Spasm Syndrome; OHTAHARA SYNDROME, X-LINKED. Identifiers: MedGen C3463992, MONDO:0010632, OMIM 308350. Disease mechanism: loss of function.
Autosomal dominant nonsyndromic hearing loss 65. Also called: TBC1D24-Related Autosomal Dominant Nonsyndromic Hearing Loss (DFNA); Deafness, autosomal dominant 65. Identifiers: Orphanet 90635, MedGen C3892048, MONDO:0014470, OMIM 616044.

Allele frequency attached by ClinVar (database versions not stated): TOPMed 0.00002; ExAC 0.00002; gnomAD exomes 0.00001.
gnomAD v4.1: 14 of 1,613,448 alleles (0.00087%); highest among the groups gnomAD compares: Non-Finnish European, 0.0011%; no homozygotes.

Submission:

Labcorp Genetics (formerly Invitae), Labcorp
Classification: Uncertain significance for Developmental and epileptic encephalopathy, 1; Autosomal dominant nonsyndromic hearing loss 65. Last evaluated: 2022-07-26. Review status: criteria provided, single submitter. Criteria: Invitae Variant Classification Sherloc (09022015). Collection method: clinical testing. Allele origin: germline.
Comment: In summary, the available evidence is currently insufficient to determine the role of this variant in disease. Therefore, it has been classified as a Variant of Uncertain Significance. Algorithms developed to predict the effect of missense changes on protein structure and function are either unavailable or do not agree on the potential impact of this missense change (SIFT: "Tolerated"; PolyPhen-2: "Possibly Damaging"; Align-GVGD: "Class C0"). ClinVar contains an entry for this variant (Variation ID: 848574). This variant has not been reported in the literature in individuals affected with TBC1D24-related conditions. This variant is present in population databases (rs756581138, gnomAD 0.003%). This sequence change replaces alanine, which is neutral and non-polar, with threonine, which is neutral and polar, at codon 71 of the TBC1D24 protein (p.Ala71Thr).

NM_001199107.2(TBC1D24):c.211G>A (p.Ala71Thr)

Gene: TBC1D24 (TBC1 domain family member 24; plus strand). Cytogenetic location: 16p13.3.
Variant type: single nucleotide variant.
Coding change: c.211G>A on transcript NM_001199107.2 (MANE Select); coding-DNA position 211, G replaced by A.
Protein change: p.Ala71Thr; replaces alanine 71 with threonine.
Molecular consequence: missense variant.
Genome position (GRCh38, 1-based): chr16:2,496,359, G>A. VCF-style: chr16-2496359-G-A. GRCh37 (hg19) VCF-style: chr16-2546360-G-A.
Other names: c.211G>A, p.Ala71Thr (NM_020705.3); short protein forms A71T.
Identifiers: ClinVar variation 848574 (VCV000848574.10), dbSNP rs756581138, ClinGen allele CA7843951.
Genomic context (GRCh38, chr16:2,496,359, plus strand): 5'-CGGGGAAAGGTGTACCAGCGCCTGATCCGGGACATTCCCTGCCGCACGGTCACGCCTGAC[G>A]CCAGCGTGTACAGCGACATCGTGGGCAAGATCGTGGGCAAGCACAGCAGCAGCTGCCTGC-3'
Protein context (NP_001186036.1, residues 61-81): DIPCRTVTPD[Ala71Thr]SVYSDIVGKI